The following is an entry in ClinVar:

NM_000133.4(F9):c.1107T>A (p.Leu369=)

Gene: F9 (coagulation factor IX; plus strand). Cytogenetic location: Xq27.1.
Variant type: single nucleotide variant.
Coding change: c.1107T>A on transcript NM_000133.4 (MANE Select); coding-DNA position 1107, T replaced by A.
Protein change: p.Leu369=; no amino-acid change (leucine 369 retained).
Molecular consequence: synonymous variant.
Genome position (GRCh38, 1-based): chrX:139,561,792, T>A. VCF-style: chrX-139561792-T-A. GRCh37 (hg19) VCF-style: chrX-138643951-T-A.
Other names: NM_000133.4(F9):c.1107T>A; p.Leu369=; c.993T>A, p.Leu331= (NM_001313913.2).
Identifiers: ClinVar variation 1624073 (VCV001624073.8), dbSNP rs750955240, ClinGen allele CA518917054.
Genomic context (GRCh38, chrX:139,561,792, plus strand): 5'-ATCTGGCTATGTAAGTGGCTGGGGAAGAGTCTTCCACAAAGGGAGATCAGCTTTAGTTCT[T>A]CAGTACCTTAGAGTTCCACTTGTTGACCGAGCCACATGTCTTCGATCTACAAAGTTCACC-3'
Protein context (NP_000124.1, residues 359-379): VFHKGRSALV[Leu369=]QYLRVPLVDR

ClinVar aggregate classification (germline): Likely benign. Review status: reviewed by expert panel (3 of 4 stars). 2 submissions from 2 submitters: Likely benign (1). 1 of the submissions does not count toward it. Last evaluated 2025-06-12.

Conditions:
Hereditary factor IX deficiency disease (HEMB). Also called: F9 DEFICIENCY; FACTOR IX DEFICIENCY; PLASMA THROMBOPLASTIN COMPONENT DEFICIENCY; Christmas Disease; Hemophilia B. Identifiers: Orphanet 98879, MedGen C0008533, MeSH D002836, MONDO:0010604, OMIM 306900.
Thrombophilia, X-linked, due to factor 9 defect. Identifiers: MedGen C2749016, MONDO:0010432, OMIM 300807.

Allele frequency attached by ClinVar (database versions not stated): gnomAD exomes below 0.00001.
gnomAD v4.1: 1 of 1,212,053 alleles (0.000083%); highest among the groups gnomAD compares: Non-Finnish European, 0.00011%; no homozygotes.

Submissions (2):

ClinGen Coagulation Factor Deficiency Variant Curation Expert Panel, Clingen
Classification: Likely benign for Hereditary factor IX deficiency disease. Last evaluated: 2025-06-12. Review status: reviewed by expert panel. Criteria: ClinGen CoagFactor ACMG Specifications F9 V1.0.0. Collection method: curation. Allele origin: germline. Inheritance: X-linked inheritance.
Comment: The c.1107T>A (p.Leu369=) variant is a synonymous variant not predicted to have a splicing impact with a SpliceAI score of 0.00, meeting BP4 criteria (<=0.01) and phylo P score of -0.07, meeting BP7 criteria (<0.01). The variant is absent in males in gnomAD v2 meeting PM2_Supporting. There were no known reported cases of hemophilia B with this variant. In summary, this variant meets the criteria to be classified as likely benign for hemophilia B based on the ACMG/AMP criteria applied, as specified by the ClinGen Coagulation Factor Deficiency VCEP ClinGen Coagulation Factor Deficiency VCEP (version 1.0.0, released 10/5/2023): PM2_Supporting, BP4, BP7.

Labcorp Genetics (formerly Invitae), Labcorp
Classification: Likely benign for Thrombophilia, X-linked, due to factor 9 defect; Hereditary factor IX deficiency disease. Last evaluated: 2025-05-06. Review status: criteria provided, single submitter. Criteria: Invitae Variant Classification Sherloc (09022015). Collection method: clinical testing. Allele origin: germline. Not counted in ClinVar's aggregate classification.